The following is an entry in ClinVar:

ClinVar aggregate classification (germline): Uncertain significance. Review status: criteria provided, multiple submitters, no conflicts (2 of 4 stars). 2 submissions from 2 submitters: Uncertain significance (2). Last evaluated 2023-09-29.

Allele frequency attached by ClinVar (database versions not stated): gnomAD exomes below 0.00001; ExAC 0.00001; gnomAD 0.00001; TOPMed 0.00001.

Submissions (2):

Ambry Genetics
Classification: Uncertain significance. Last evaluated: 2023-09-29. Review status: criteria provided, single submitter. Criteria: Ambry Variant Classification Scheme 2023. Collection method: clinical testing. Allele origin: germline.

Labcorp Genetics (formerly Invitae), Labcorp
Classification: Uncertain significance. Last evaluated: 2022-06-02. Review status: criteria provided, single submitter. Criteria: Invitae Variant Classification Sherloc (09022015). Collection method: clinical testing. Allele origin: germline.
Comment: This sequence change replaces serine, which is neutral and polar, with proline, which is neutral and non-polar, at codon 50 of the SLC39A7 protein (p.Ser50Pro). This variant is present in population databases (rs762338940, gnomAD 0.003%). This variant has not been reported in the literature in individuals affected with SLC39A7-related conditions. ClinVar contains an entry for this variant (Variation ID: 1409049). Algorithms developed to predict the effect of missense changes on protein structure and function output the following: SIFT: "Tolerated"; PolyPhen-2: "Not Available"; Align-GVGD: "Class C0". The proline amino acid residue is found in multiple mammalian species, which suggests that this missense change does not adversely affect protein function. In summary, the available evidence is currently insufficient to determine the role of this variant in disease. Therefore, it has been classified as a Variant of Uncertain Significance.

NM_006979.3(SLC39A7):c.148T>C (p.Ser50Pro)

Gene: SLC39A7 (solute carrier family 39 member 7; plus strand). Cytogenetic location: 6p21.32.
Variant type: single nucleotide variant.
Coding change: c.148T>C on transcript NM_006979.3 (MANE Select); coding-DNA position 148, T replaced by C.
Protein change: p.Ser50Pro; replaces serine 50 with proline.
Molecular consequence: missense variant. On other transcripts: intron variant (1).
Genome position (GRCh38, 1-based): chr6:33,201,393, T>C. VCF-style: chr6-33201393-T-C. GRCh37 (hg19) VCF-style: chr6-33169170-T-C.
Other names: c.148T>C, p.Ser50Pro (NM_001077516.2); c.52+5T>C (NM_001288777.2); c.148T>C (NM_006979.2); short protein forms S50P.
Identifiers: ClinVar variation 1409049 (VCV001409049.4), dbSNP rs762338940, ClinGen allele CA3752200.
Genomic context (GRCh38, chr6:33,201,393, plus strand): 5'-GGTCATGACGACCTGCACGACGATCTGCAAGAGGACTTCCATGGCCACAGCCACAGGCAC[T>C]CACATGAAGATTTCCACCATGGCCACAGCCATGCCCATGGCCATGGCCACACTCACGAGA-3'
Protein context (NP_008910.2, residues 40-60): EDFHGHSHRH[Ser50Pro]HEDFHHGHSH